The following is an entry in ClinVar:

NM_001023.4(RPS20):c.66C>T (p.Ile22=)

Gene: RPS20 (ribosomal protein S20; minus strand). Cytogenetic location: 8q12.1.
Variant type: single nucleotide variant.
Coding change: c.66C>T on transcript NM_001023.4 (MANE Select); coding-DNA position 66, C replaced by T.
Protein change: p.Ile22=; no amino-acid change (isoleucine 22 retained).
Molecular consequence: synonymous variant.
Genome position (GRCh38, 1-based): chr8:56,074,097, G>A on the plus strand (C>T on the coding strand, the complement: RPS20 is on the minus strand). VCF-style: chr8-56074097-G-A. GRCh37 (hg19) VCF-style: chr8-56986656-G-A.
Other names: c.66C>T, p.Ile22= (NM_001146227.3).
Identifiers: ClinVar variation 2488725 (VCV002488725.3), dbSNP rs778397691, ClinGen allele CA461101615.

ClinVar aggregate classification (germline): Benign/Likely benign. Review status: criteria provided, multiple submitters, no conflicts (2 of 4 stars). 2 submissions from 2 submitters: Benign (1); Likely benign (1). Last evaluated 2026-08-03.

Conditions:
Familial colorectal cancer type X. Identifiers: Orphanet 440437, MedGen C3896578, MONDO:0018604.

Submissions (2):

Myriad Genetics, Inc.
Classification: Benign for Familial colorectal cancer type X. Last evaluated: 2026-08-03. Review status: criteria provided, single submitter. Criteria: Myriad Autosomal Dominant, Autosomal Recessive and X-Linked Classification Criteria (2023). Collection method: clinical testing. Allele origin: unknown.
Comment: This variant is considered benign. This variant is a silent/synonymous amino acid change and it is not expected to impact splicing.

Ambry Genetics
Classification: Likely benign. Last evaluated: 2022-11-17. Review status: criteria provided, single submitter. Criteria: Ambry Variant Classification Scheme 2023. Collection method: clinical testing. Allele origin: germline.